The following is an entry in ClinVar:

NM_000059.4(BRCA2):c.7766C>T (p.Pro2589Leu)

Gene: BRCA2 (BRCA2 DNA repair associated; plus strand). Cytogenetic location: 13q13.1.
Variant type: single nucleotide variant.
Coding change: c.7766C>T on transcript NM_000059.4 (MANE Select); coding-DNA position 7766, C replaced by T.
Protein change: p.Pro2589Leu; replaces proline 2589 with leucine.
Molecular consequence: missense variant.
Genome position (GRCh38, 1-based): chr13:32,357,890, C>T. VCF-style: chr13-32357890-C-T. GRCh37 (hg19) VCF-style: chr13-32932027-C-T.
Other names: short protein forms P2589L.
Identifiers: ClinVar variation 233726 (VCV000233726.19), dbSNP rs80359005, ClinGen allele CA10579752.
Genomic context (GRCh38, chr13:32,357,890, plus strand): 5'-GTAAGGAAAGTTTATGGACTGGAAAAGGAATACAGTTGGCTGATGGTGGATGGCTCATAC[C>T]CTCCAATGATGGAAAGGCTGGAAAAGAAGAATTTTATAGGTACTCTATGCAAAAAGATTG-3'
Protein context (NP_000050.3, residues 2579-2599): IQLADGGWLI[Pro2589Leu]SNDGKAGKEE

ClinVar aggregate classification (germline): Uncertain significance. Review status: criteria provided, multiple submitters, no conflicts (2 of 4 stars). 6 submissions from 6 submitters: Uncertain significance (6). Last evaluated 2025-12-29.

Conditions:
Breast-ovarian cancer, familial, susceptibility to, 2 (BROVCA2). Also called: BRCA2 Hereditary Breast and Ovarian Cancer. Identifiers: Orphanet 145, MedGen C2675520, MONDO:0012933, OMIM 612555. Disease mechanism: loss of function.
Familial pancreatic carcinoma. Identifiers: Orphanet 1333, MedGen C2931038, MONDO:0015278, OMIM 260350.
Hereditary cancer-predisposing syndrome. Also called: Tumor predisposition; Hereditary neoplastic syndrome; Hereditary Cancer Syndrome; Neoplastic Syndromes, Hereditary. Identifiers: Orphanet 140162, MedGen C0027672, MeSH D009386, MONDO:0015356.
Hereditary breast ovarian cancer syndrome. Also called: Hereditary breast and/or ovarian cancer syndrome; Breast and ovarian cancer; Hereditary breast and ovarian cancer; Hereditary breast and ovarian cancer syndrome; Hereditary breast and ovarian cancer syndrome (HBOC); BRCA1- and BRCA2-Associated Hereditary Breast and Ovarian Cancer. Identifiers: Orphanet 145, MedGen C0677776, MeSH D061325, MONDO:0003582. Disease mechanism: loss of function.

Submissions (6):

Center for Genomic Medicine, Rigshospitalet, Copenhagen University Hospital
Classification: Uncertain significance. Last evaluated: 2025-12-29. Review status: criteria provided, single submitter. Criteria: ACMG Guidelines, 2015. Collection method: clinical testing. Allele origin: germline.
Comment: Classification criteria: PS3, PM2_Supporting, BP4

Ambry Genetics
Classification: Uncertain significance for Hereditary cancer-predisposing syndrome. Last evaluated: 2025-09-05. Review status: criteria provided, single submitter. Criteria: Ambry Variant Classification Scheme 2023. Collection method: clinical testing. Allele origin: germline.
Comment: The p.P2589L variant (also known as c.7766C>T), located in coding exon 15 of the BRCA2 gene, results from a C to T substitution at nucleotide position 7766. The proline at codon 2589 is replaced by leucine, an amino acid with similar properties. A saturation genome editing-based study using a haploid cell-survival assay demonstrates that this nucleotide substitution is non-functional (Huang H et al. Nature. 2025 Feb;638(8050):528-537).This amino acid position is highly conserved in available vertebrate species. In addition, this alteration is predicted to be deleterious by in silico analysis. Based on the available evidence, the clinical significance of this variant remains unclear.

Institute of Immunology and Genetics Kaiserslautern
Classification: Uncertain significance for Breast-ovarian cancer, familial, susceptibility to, 2. Last evaluated: 2025-06-25. Review status: criteria provided, single submitter. Criteria: ACMG Guidelines, 2015. Collection method: clinical testing. Allele origin: germline. Affected: yes.
Comment: ACMG Criteria: PM2_P, PP3; Variant was found in heterozygous state.

Dasa
Classification: Uncertain significance for Breast-ovarian cancer, familial, susceptibility to, 2. Last evaluated: 2025-01-31. Review status: criteria provided, single submitter. Criteria: DASA Assertion Criteria. Collection method: clinical testing. Allele origin: germline.
Comment: NM_000059.4(BRCA2):c.7766C>T (p.Pro2589Leu) is a missense variant that results in the substitution of proline with leucine. This variant is absent from population databases. The currently available literature and clinical evidence are not sufficient to establish a definitive association between this variant and the reported condition. Therefore, this variant is classified as a variant of uncertain significance.

Labcorp Genetics (formerly Invitae), Labcorp
Classification: Uncertain significance for Hereditary breast ovarian cancer syndrome. Last evaluated: 2024-04-18. Review status: criteria provided, single submitter. Criteria: Invitae Variant Classification Sherloc (09022015). Collection method: clinical testing. Allele origin: germline.
Comment: This sequence change replaces proline, which is neutral and non-polar, with leucine, which is neutral and non-polar, at codon 2589 of the BRCA2 protein (p.Pro2589Leu). This variant is not present in population databases (gnomAD no frequency). This variant has not been reported in the literature in individuals affected with BRCA2-related conditions. ClinVar contains an entry for this variant (Variation ID: 233726). Advanced modeling of protein sequence and biophysical properties (such as structural, functional, and spatial information, amino acid conservation, physicochemical variation, residue mobility, and thermodynamic stability) performed at Invitae indicates that this missense variant is not expected to disrupt BRCA2 protein function with a negative predictive value of 95%. In summary, the available evidence is currently insufficient to determine the role of this variant in disease. Therefore, it has been classified as a Variant of Uncertain Significance.

Department of Pathology and Laboratory Medicine, Sinai Health System
Classification: Uncertain significance for Familial pancreatic carcinoma. Last evaluated: 2020-09-17. Review status: criteria provided, single submitter. Criteria: ACMG Guidelines, 2015. Collection method: clinical testing. Allele origin: germline. Affected: yes.

Literature cited by the submitters: PubMed 39779857 (cited by Center for Genomic Medicine, Rigshospitalet, Copenhagen University Hospital); PubMed 37713444 (cited by Center for Genomic Medicine, Rigshospitalet, Copenhagen University Hospital).